The following is an entry in ClinVar:

NM_000455.5(STK11):c.838_839delinsGT (p.Pro280Val)

Gene: STK11 (serine/threonine kinase 11; plus strand). Cytogenetic location: 19p13.3.
Variant type: Indel.
Coding change: c.838_839delinsGT on transcript NM_000455.5 (MANE Select); coding-DNA positions 838 to 839, CC replaced by GT.
Protein change: p.Pro280Val; replaces proline 280 with valine.
Genome position (GRCh38, 1-based): chr19:1,221,316-1,221,317, CC replaced by GT. VCF-style: chr19-1221316-CC-GT. GRCh37 (hg19) VCF-style: chr19-1221315-CC-GT.
Other names: c.838_839delCCinsGT (NM_000455.4); short protein forms P280V.
Identifiers: ClinVar variation 192225 (VCV000192225.23), dbSNP rs786205863, ClinGen allele CA023296.

ClinVar aggregate classification (germline): Uncertain significance. Review status: criteria provided, multiple submitters, no conflicts (2 of 4 stars). 6 submissions from 6 submitters: Uncertain significance (5). 1 of the submissions does not count toward it. Last evaluated 2026-01-08.

Conditions:
Hereditary cancer-predisposing syndrome. Also called: Hereditary Cancer Syndrome; Tumor predisposition; Hereditary neoplastic syndrome; Neoplastic Syndromes, Hereditary. Identifiers: Orphanet 140162, MedGen C0027672, MeSH D009386, MONDO:0015356.
Peutz-Jeghers syndrome (PJS). Also called: POLYPOSIS, HAMARTOMATOUS INTESTINAL; POLYPS-AND-SPOTS SYNDROME; Peutz-Jeghers polyposis; Periorificial lentiginosis syndrome. Identifiers: Orphanet 2869, MedGen C0031269, MeSH D010580, MONDO:0008280, OMIM 175200.

Submissions (6):

Labcorp Genetics (formerly Invitae), Labcorp
Classification: Uncertain significance for Peutz-Jeghers syndrome. Last evaluated: 2026-01-08. Review status: criteria provided, single submitter. Criteria: Invitae Variant Classification Sherloc (09022015). Collection method: clinical testing. Allele origin: germline.
Comment: This sequence change replaces proline, which is neutral and non-polar, with valine, which is neutral and non-polar, at codon 280 of the STK11 protein (p.Pro280Val). Information on the frequency of this variant in the gnomAD database is not available, as this variant may be reported differently in the database. This variant has not been reported in the literature in individuals affected with STK11-related conditions. ClinVar contains an entry for this variant (Variation ID: 192225). An algorithm developed to predict the effect of missense changes on protein structure and function (PolyPhen-2) suggests that this variant is likely to be disruptive. In summary, the available evidence is currently insufficient to determine the role of this variant in disease. Therefore, it has been classified as a Variant of Uncertain Significance.

Ambry Genetics
Classification: Uncertain significance for Hereditary cancer-predisposing syndrome. Last evaluated: 2024-01-23. Review status: criteria provided, single submitter. Criteria: Ambry Variant Classification Scheme 2023. Collection method: clinical testing. Allele origin: germline.
Comment: The c.838_839delCCinsGT variant (also known as p.P280V), located in coding exon 6 of the STK11 gene, results from an in-frame deletion of CC and insertion of GT at nucleotide positions 838 to 839. This results in the substitution of the proline residue for a valine residue at codon 280, an amino acid with similar properties. This amino acid position is highly conserved in available vertebrate species. In addition, the in silico prediction for this alteration is inconclusive (Choi Y et al. PLoS ONE. 2012; 7(10):e46688). Since supporting evidence is limited at this time, the clinical significance of this alteration remains unclear.

Genome-Nilou Lab
Classification: Uncertain significance for Peutz-Jeghers syndrome. Last evaluated: 2021-07-15. Review status: criteria provided, single submitter. Criteria: ACMG Guidelines, 2015. Collection method: clinical testing. Allele origin: germline. Affected: no.

Color Diagnostics, LLC DBA Color Health
Classification: Uncertain significance for Hereditary cancer-predisposing syndrome. Last evaluated: 2020-03-09. Review status: criteria provided, single submitter. Criteria: ACMG Guidelines, 2015. Collection method: clinical testing. Allele origin: germline.
Comment: This missense variant replaces proline with valine at codon 280 of the STK11 protein. To our knowledge, functional studies have not been reported for this variant. This variant has not been reported in individuals affected with hereditary cancer in the literature. This variant has not been identified in the general population by the Genome Aggregation Database (gnomAD). The available evidence is insufficient to determine the role of this variant in disease conclusively. Therefore, this variant is classified as a Variant of Uncertain Significance.

Laboratory for Molecular Medicine, Mass General Brigham Personalized Medicine
Classification: Uncertain significance. Last evaluated: 2017-04-21. Review status: criteria provided, single submitter. Criteria: LMM Criteria. Collection method: clinical testing. Allele origin: germline. Observed: 1 variant allele.
Comment: The p.Pro280Val variant in STK11 has not been previously reported in the literat ure, but has been reported in ClinVar (Variation ID 192225). It was absent from large population studies. This variant represents two adjacent base pair changes that are present on the same copy of the STK11 gene and results in the substitu tion of a single proline (Pro) residue at position 280 with a Valine (Val). Comp utational prediction tools and conservation analysis do not provide strong suppo rt for or against an impact to the protein. In summary, the clinical significanc e of the p.Pro280Val variant is uncertain.

Pathway Genomics
Classification: Uncertain significance for Peutz-Jeghers syndrome. Last evaluated: 2014-10-30. Review status: no assertion criteria provided. Criteria: ACMG Guidelines, 2015. Collection method: clinical testing. Allele origin: germline. Affected: yes. Not counted in ClinVar's aggregate classification.